The following is an entry in ClinVar:

ClinVar aggregate classification (germline): Uncertain significance (1 of 4 stars; one submission).

Conditions:
Long QT syndrome (LQTS). Identifiers: MedGen C0023976, MeSH D008133, MONDO:0002442. Disease mechanism: loss of function. Inheritance: Various modes of inheritance.

Submission:

Labcorp Genetics (formerly Invitae), Labcorp
Classification: Uncertain significance for Long QT syndrome. Last evaluated: 2025-03-05. Review status: criteria provided, single submitter. Criteria: Invitae Variant Classification Sherloc (09022015). Collection method: clinical testing. Allele origin: germline.
Comment: This sequence change replaces aspartic acid, which is acidic and polar, with glycine, which is neutral and non-polar, at codon 712 of the KCNH2 protein (p.Asp712Gly). This variant is not present in population databases (gnomAD no frequency). This missense change has been observed in individual(s) with clinical features of long QT syndrome (internal data). ClinVar contains an entry for this variant (Variation ID: 1499635). An algorithm developed to predict the effect of missense changes on protein structure and function (PolyPhen-2) suggests that this variant is likely to be disruptive. In summary, the available evidence is currently insufficient to determine the role of this variant in disease. Therefore, it has been classified as a Variant of Uncertain Significance.

NM_000238.4(KCNH2):c.2135A>G (p.Asp712Gly)

Gene: KCNH2 (potassium voltage-gated channel subfamily H member 2; minus strand). Cytogenetic location: 7q36.1.
Variant type: single nucleotide variant.
Coding change: c.2135A>G on transcript NM_000238.4 (MANE Select); coding-DNA position 2135, A replaced by G.
Protein change: p.Asp712Gly; replaces aspartic acid 712 with glycine.
Molecular consequence: missense variant.
Genome position (GRCh38, 1-based): chr7:150,950,931, T>C on the plus strand (A>G on the coding strand, the complement: KCNH2 is on the minus strand). VCF-style: chr7-150950931-T-C. GRCh37 (hg19) VCF-style: chr7-150648019-T-C.
Other names: c.1115A>G, p.Asp372Gly (NM_001204798.2, NM_172057.3); c.1847A>G, p.Asp616Gly (NM_001406753.1, NM_001406756.1); c.1958A>G, p.Asp653Gly (NM_001406755.1); c.1835A>G, p.Asp612Gly (NM_001406757.1); c.2135A>G, p.Asp712Gly (NM_172056.3); short protein forms D712G, D372G, D616G, D653G, D612G.
Identifiers: ClinVar variation 1499635 (VCV001499635.9), dbSNP rs2116954162, ClinGen allele CA369857337.
Genomic context (GRCh38, chr7:150,950,931, plus strand): 5'-CCCCACTCTTCCCAGCCTGCCACCCACTGGCCACGCTCTGGTGGCCTCACCGCGTTCATG[T>C]CGATGCCGTTGGTGTAGGACCAGGCGTGCTGGAAGTACTCCTCGAGGCGCTGGCGCAGGG-3'
Protein context (NP_000229.1, residues 702-722): QHAWSYTNGI[Asp712Gly]MNAVLKGFPE